The following is an entry in ClinVar:

NM_001845.6(COL4A1):c.446C>T (p.Pro149Leu)

Gene: COL4A1 (collagen type IV alpha 1 chain; minus strand). Cytogenetic location: 13q34.
Variant type: single nucleotide variant.
Coding change: c.446C>T on transcript NM_001845.6 (MANE Select); coding-DNA position 446, C replaced by T.
Protein change: p.Pro149Leu; replaces proline 149 with leucine.
Molecular consequence: missense variant.
Genome position (GRCh38, 1-based): chr13:110,211,669, G>A on the plus strand (C>T on the coding strand, the complement: COL4A1 is on the minus strand). VCF-style: chr13-110211669-G-A. GRCh37 (hg19) VCF-style: chr13-110864016-G-A.
Other names: c.446C>T, p.Pro149Leu (NM_001303110.2); short protein forms P149L.
Identifiers: ClinVar variation 4776839 (VCV004776839.2).

ClinVar aggregate classification (germline): Uncertain significance. Review status: criteria provided, multiple submitters, no conflicts (2 of 4 stars). 2 submissions from 2 submitters: Uncertain significance (2). Last evaluated 2025-08-06.

gnomAD v4.1: 5 of 1,611,088 alleles (0.00031%); highest among the groups gnomAD compares: Non-Finnish European, 0.00042%; no homozygotes.

Submissions (2):

Labcorp Genetics (formerly Invitae), Labcorp
Classification: Uncertain significance. Last evaluated: 2025-08-06. Review status: criteria provided, single submitter. Criteria: Invitae Variant Classification Sherloc (09022015). Collection method: clinical testing. Allele origin: germline.
Comment: This sequence change replaces proline, which is neutral and non-polar, with leucine, which is neutral and non-polar, at codon 149 of the COL4A1 protein (p.Pro149Leu). This variant is not present in population databases (gnomAD no frequency). This variant has not been reported in the literature in individuals affected with COL4A1-related conditions. Invitae Evidence Modeling of protein sequence and biophysical properties (such as structural, functional, and spatial information, amino acid conservation, physicochemical variation, residue mobility, and thermodynamic stability) indicates that this missense variant is not expected to disrupt COL4A1 protein function with a negative predictive value of 95%. In summary, the available evidence is currently insufficient to determine the role of this variant in disease. Therefore, it has been classified as a Variant of Uncertain Significance.

Blueprint Genetics
Classification: Uncertain significance. Last evaluated: 2024-04-26. Review status: criteria provided, single submitter. Criteria: ACMG Guidelines, 2015. Collection method: clinical testing. Allele origin: germline.